The following is an entry in ClinVar:

NM_201253.3(CRB1):c.982T>C (p.Trp328Arg)

Gene: CRB1 (crumbs cell polarity complex component 1; plus strand). Cytogenetic location: 1q31.3.
Variant type: single nucleotide variant.
Coding change: c.982T>C on transcript NM_201253.3 (MANE Select); coding-DNA position 982, T replaced by C.
Protein change: p.Trp328Arg; replaces tryptophan 328 with arginine.
Molecular consequence: missense variant. On other transcripts: non-coding transcript variant (2), intron variant (1).
Genome position (GRCh38, 1-based): chr1:197,347,473, T>C. VCF-style: chr1-197347473-T-C. GRCh37 (hg19) VCF-style: chr1-197316603-T-C.
Other names: c.775T>C, p.Trp259Arg (NM_001257965.2); c.982T>C, p.Trp328Arg (NM_001257966.2); c.653-9358T>C (NM_001193640.2); short protein forms W259R, W328R.
Identifiers: ClinVar variation 1717481 (VCV001717481.5), dbSNP rs2527647257, ClinGen allele CA344084268.
Genomic context (GRCh38, chr1:197,347,473, plus strand): 5'-AAACCTTGTCACAATAATGCTACATGTGAGGACAGTGTTGACAATTACACTTGTCACTGC[T>C]GGCCTGGTGAGTGACAAAATACCTTCCACCAATTATTTTTCATTTGTTTAGAATACACAT-3'
Protein context (NP_957705.1, residues 318-338): DSVDNYTCHC[Trp328Arg]PGYTGAQCEI

ClinVar aggregate classification (germline): Uncertain significance (1 of 4 stars; one submission).

Conditions:
Retinitis pigmentosa 12 (RP12). Also called: RP WITH OR WITHOUT PPRPE; RP WITH OR WITHOUT PRESERVED PARAARTERIOLE RETINAL PIGMENT EPITHELIUM; RETINITIS PIGMENTOSA WITH OR WITHOUT PARAARTERIOLAR PRESERVATION OF RETINAL PIGMENT EPITHELIUM. Identifiers: Orphanet 791, MedGen C1838647, MONDO:0010818, OMIM 600105.
Leber congenital amaurosis 8 (LCA8). Identifiers: Orphanet 65, MedGen C3151202, MONDO:0013453, OMIM 613835.

Submission:

Labcorp Genetics (formerly Invitae), Labcorp
Classification: Uncertain significance for Leber congenital amaurosis 8; Retinitis pigmentosa 12. Last evaluated: 2022-08-21. Review status: criteria provided, single submitter. Criteria: Invitae Variant Classification Sherloc (09022015). Collection method: clinical testing. Allele origin: germline.
Comment: This sequence change replaces tryptophan, which is neutral and slightly polar, with arginine, which is basic and polar, at codon 328 of the CRB1 protein (p.Trp328Arg). In summary, the available evidence is currently insufficient to determine the role of this variant in disease. Therefore, it has been classified as a Variant of Uncertain Significance. Algorithms developed to predict the effect of missense changes on protein structure and function output the following: SIFT: "Tolerated"; PolyPhen-2: "Benign"; Align-GVGD: "Class C0". The arginine amino acid residue is found in multiple mammalian species, which suggests that this missense change does not adversely affect protein function. This variant has not been reported in the literature in individuals affected with CRB1-related conditions. This variant is not present in population databases (gnomAD no frequency).